The following is an entry in ClinVar:

ClinVar aggregate classification (germline): Likely benign. Review status: criteria provided, multiple submitters, no conflicts (2 of 4 stars). 2 submissions from 2 submitters: Likely benign (2). Last evaluated 2026-05-30.

Conditions:
ITGB3-related disorder. Also called: ITGB3-related condition.

Allele frequency attached by ClinVar (database versions not stated): gnomAD exomes below 0.00001.
gnomAD v4.1: 2 of 1,614,010 alleles (0.00012%); highest among the groups gnomAD compares: African/African-American, 0.0013%; no homozygotes.

Submissions (2):

PreventionGenetics, part of Exact Sciences
Classification: Likely benign for ITGB3-related condition. Last evaluated: 2026-05-30. Review status: criteria provided, single submitter. Criteria: ACMG Guidelines, 2015. Collection method: clinical testing. Allele origin: germline.
Comment: This variant is classified as likely benign based on ACMG/AMP sequence variant interpretation guidelines (Richards et al. 2015 PMID: 25741868, with internal and published modifications).

Labcorp Genetics (formerly Invitae), Labcorp
Classification: Likely benign. Last evaluated: 2023-06-01. Review status: criteria provided, single submitter. Criteria: Invitae Variant Classification Sherloc (09022015). Collection method: clinical testing. Allele origin: germline.

NM_000212.3(ITGB3):c.1261-4C>G

Genes: ITGB3 (integrin subunit beta 3; plus strand), LOC110121475 (VISTA enhancer hs2033; plus strand). Cytogenetic location: 17q21.32.
Variant type: single nucleotide variant.
Coding change: c.1261-4C>G on transcript NM_000212.3 (MANE Select); 4 bases into the intron before coding-DNA position 1261, C replaced by G.
Molecular consequence: intron variant.
Genome position (GRCh38, 1-based): chr17:47,292,135, C>G. VCF-style: chr17-47292135-C-G. GRCh37 (hg19) VCF-style: chr17-45369501-C-G.
Other names: c.1261-4C>G (NM_000212.2).
Identifiers: ClinVar variation 2900289 (VCV002900289.4), dbSNP rs2547618979, ClinGen allele CA2638436627.